The following is an entry in ClinVar:

ClinVar aggregate classification (germline): Uncertain significance (1 of 4 stars; one submission).

Submission:

ARUP Laboratories, Molecular Genetics and Genomics, ARUP Laboratories
Classification: Uncertain significance. Last evaluated: 2025-04-16. Review status: criteria provided, single submitter. Criteria: ARUP Molecular Germline Variant Investigation Process 2024. Collection method: clinical testing. Allele origin: germline.
Comment: The RAF1 c.1499A>G; p.Gln500Arg variant, to our knowledge, is not reported in the medical literature or gene specific databases. This variant is also absent from the Genome Aggregation Database (v2.1.1), indicating it is not a common polymorphism. Computational analyses are uncertain whether this variant is neutral or deleterious (REVEL: 0.336). Due to limited information, the clinical significance of this variant is uncertain at this time.

NM_002880.4(RAF1):c.1499A>G (p.Gln500Arg)

Gene: RAF1 (Raf-1 proto-oncogene, serine/threonine kinase; minus strand). Cytogenetic location: 3p25.2.
Variant type: single nucleotide variant.
Coding change: c.1499A>G on transcript NM_002880.4 (MANE Select); coding-DNA position 1499, A replaced by G.
Protein change: p.Gln500Arg; replaces glutamine 500 with arginine.
Molecular consequence: missense variant. On other transcripts: non-coding transcript variant (3).
Genome position (GRCh38, 1-based): chr3:12,585,718, T>C on the plus strand (A>G on the coding strand, the complement: RAF1 is on the minus strand). VCF-style: chr3-12585718-T-C. GRCh37 (hg19) VCF-style: chr3-12627217-T-C.
Other names: c.1559A>G, p.Gln520Arg (NM_001354689.3); c.1499A>G, p.Gln500Arg (NM_001354690.3); c.1256A>G, p.Gln419Arg (NM_001354691.3, NM_001354692.3); c.1400A>G, p.Gln467Arg (NM_001354693.3); c.1316A>G, p.Gln439Arg (NM_001354694.3); c.1157A>G, p.Gln386Arg (NM_001354695.3); short protein forms Q386R, Q419R, Q439R, Q467R, Q500R, Q520R.
Identifiers: ClinVar variation 4685757 (VCV004685757.1).